The following is an entry in ClinVar:

NM_002693.3(POLG):c.1823A>G (p.Asp608Gly)

Gene: POLG (DNA polymerase gamma, catalytic subunit; minus strand). Cytogenetic location: 15q26.1.
Variant type: single nucleotide variant.
Coding change: c.1823A>G on transcript NM_002693.3 (MANE Select); coding-DNA position 1823, A replaced by G.
Protein change: p.Asp608Gly; replaces aspartic acid 608 with glycine.
Molecular consequence: missense variant.
Genome position (GRCh38, 1-based): chr15:89,325,576, T>C on the plus strand (A>G on the coding strand, the complement: POLG is on the minus strand). VCF-style: chr15-89325576-T-C. GRCh37 (hg19) VCF-style: chr15-89868807-T-C.
Other names: c.1823A>G, p.Asp608Gly (NM_001126131.2); short protein forms D608G.
Identifiers: ClinVar variation 4738887 (VCV004738887.1).

ClinVar aggregate classification (germline): Uncertain significance (1 of 4 stars; one submission).

Conditions:
Progressive sclerosing poliodystrophy (MTDPS4A). Also called: Mitochondrial DNA depletion syndrome 4A (Alpers type); ALPERS PROGRESSIVE INFANTILE POLIODYSTROPHY; NEURONAL DEGENERATION OF CHILDHOOD WITH LIVER DISEASE, PROGRESSIVE; Alpers Syndrome; ALPERS DIFFUSE DEGENERATION OF CEREBRAL GRAY MATTER WITH HEPATIC CIRRHOSIS; Alpers-Huttenlocher Syndrome. Identifiers: Orphanet 726, MedGen C0205710, MONDO:0008758, OMIM 203700.

Submission:

Labcorp Genetics (formerly Invitae), Labcorp
Classification: Uncertain significance for Progressive sclerosing poliodystrophy. Last evaluated: 2025-05-22. Review status: criteria provided, single submitter. Criteria: Invitae Variant Classification Sherloc (09022015). Collection method: clinical testing. Allele origin: germline.
Comment: This sequence change replaces aspartic acid, which is acidic and polar, with glycine, which is neutral and non-polar, at codon 608 of the POLG protein (p.Asp608Gly). This variant is not present in population databases (gnomAD no frequency). This variant has not been reported in the literature in individuals affected with POLG-related conditions. Invitae Evidence Modeling of protein sequence and biophysical properties (such as structural, functional, and spatial information, amino acid conservation, physicochemical variation, residue mobility, and thermodynamic stability) indicates that this missense variant is expected to disrupt POLG protein function with a positive predictive value of 95%. In summary, the available evidence is currently insufficient to determine the role of this variant in disease. Therefore, it has been classified as a Variant of Uncertain Significance.